The following is an entry in ClinVar:

NM_001369.3(DNAH5):c.12288_12291delinsTGTATAAGAGACAG (p.Trp4096_Ala4097delinsCysValTer)

Gene: DNAH5 (dynein axonemal heavy chain 5; minus strand). Cytogenetic location: 5p15.2.
Variant type: Indel.
Coding change: c.12288_12291delinsTGTATAAGAGACAG on transcript NM_001369.3 (MANE Select); coding-DNA positions 12288 to 12291, GGCA replaced by TGTATAAGAGACAG.
Protein change: p.Trp4096_Ala4097delinsCysValTer.
Molecular consequence: nonsense.
Genome position (GRCh38, 1-based): chr5:13,719,090-13,719,093, TGCC replaced by CTGTCTCTTATACA on the plus strand (GGCA replaced by TGTATAAGAGACAG on the coding strand, the reverse complement: DNAH5 is on the minus strand). VCF-style: chr5-13719090-TGCC-CTGTCTCTTATACA. GRCh37 (hg19) VCF-style: chr5-13719199-TGCC-CTGTCTCTTATACA.
Identifiers: ClinVar variation 5010992 (VCV005010992.1).

ClinVar aggregate classification (germline): Pathogenic (1 of 4 stars; one submission).

Conditions:
Primary ciliary dyskinesia 3. Identifiers: Orphanet 244, MedGen C1837618, MONDO:0012085, OMIM 608644.

Submission:

Myriad Genetics, Inc.
Classification: Pathogenic for Primary ciliary dyskinesia 3. Last evaluated: 2024-05-14. Review status: criteria provided, single submitter. Criteria: Myriad Autosomal Dominant, Autosomal Recessive and X-Linked Classification Criteria (2023). Collection method: clinical testing. Allele origin: unknown.
Comment: NM_001369.2(DNAH5):c.12288_12291del4ins14(W4096Cfs*3) is expected to be pathogenic in the context of primary ciliary dyskinesia, DNAH5-related. This variant is predicted to lead to an abnormal or absent protein product due to the creation of a premature termination codon in DNAH5, a gene where loss-of-function variants are known to be pathogenic. Please note: this variant was assessed in the context of healthy population screening.